The following is an entry in ClinVar:

NM_001365536.1(SCN9A):c.500C>A (p.Ser167Ter)

Gene: SCN9A (sodium voltage-gated channel alpha subunit 9; minus strand). Cytogenetic location: 2q24.3.
Variant type: single nucleotide variant.
Coding change: c.500C>A on transcript NM_001365536.1 (MANE Select); coding-DNA position 500, C replaced by A.
Protein change: p.Ser167Ter; replaces serine 167 with a stop codon.
Molecular consequence: nonsense.
Genome position (GRCh38, 1-based): chr2:166,305,888, G>T on the plus strand (C>A on the coding strand, the complement: SCN9A is on the minus strand). VCF-style: chr2-166305888-G-T. GRCh37 (hg19) VCF-style: chr2-167162398-G-T.
Other names: c.500C>A, p.Ser167Ter (NM_002977.4); short protein forms S167*.
Identifiers: ClinVar variation 2014121 (VCV002014121.1), dbSNP rs267598976, ClinGen allele CA349095212.

ClinVar aggregate classification (germline): Pathogenic (1 of 4 stars; one submission).

Conditions:
Generalized epilepsy with febrile seizures plus, type 7 (GEFSP7). Also called: GEFS+, TYPE 7. Identifiers: Orphanet 36387, MedGen C2751778, MONDO:0013470, OMIM 613863.
Neuropathy, hereditary sensory and autonomic, type 2A (HSAN2A). Also called: ACROOSTEOLYSIS, GIACCAI TYPE; ACROOSTEOLYSIS, NEUROGENIC; WNK1-Related HSAN2 (HSAN2A); MORVAN DISEASE; NEUROPATHY, CONGENITAL SENSORY; HSAN IIA. Identifiers: Orphanet 970, MedGen C2752089, MONDO:0024309, OMIM 201300.

Submission:

Labcorp Genetics (formerly Invitae), Labcorp
Classification: Pathogenic for Neuropathy, hereditary sensory and autonomic, type 2A; Generalized epilepsy with febrile seizures plus, type 7. Last evaluated: 2022-07-04. Review status: criteria provided, single submitter. Criteria: Invitae Variant Classification Sherloc (09022015). Collection method: clinical testing. Allele origin: germline.
Comment: This sequence change creates a premature translational stop signal (p.Ser167*) in the SCN9A gene. It is expected to result in an absent or disrupted protein product. Loss-of-function variants in SCN9A are known to be pathogenic (PMID: 17470132, 19304393). This variant is not present in population databases (gnomAD no frequency). This variant has not been reported in the literature in individuals affected with SCN9A-related conditions. For these reasons, this variant has been classified as Pathogenic.

Literature cited by the submitters: PubMed 17470132; PubMed 19304393.